The following is an entry in ClinVar:

ClinVar aggregate classification (germline): Uncertain significance (1 of 4 stars; one submission).

Conditions:
Microcephaly-intellectual disability-sensorineural hearing loss-epilepsy-abnormal muscle tone syndrome (NEDHSB). Also called: NEURODEVELOPMENTAL DISORDER WITH HEARING LOSS, SEIZURES, AND BRAIN ABNORMALITIES. Identifiers: Orphanet 457351, MedGen C4225276, MONDO:0014698, OMIM 616577.

Allele frequency attached by ClinVar (database versions not stated): TOPMed below 0.00001.

Submission:

Labcorp Genetics (formerly Invitae), Labcorp
Classification: Uncertain significance for Microcephaly-intellectual disability-sensorineural hearing loss-epilepsy-abnormal muscle tone syndrome. Last evaluated: 2022-03-11. Review status: criteria provided, single submitter. Criteria: Invitae Variant Classification Sherloc (09022015). Collection method: clinical testing. Allele origin: germline.
Comment: This sequence change replaces serine, which is neutral and polar, with proline, which is neutral and non-polar, at codon 341 of the SPATA5 protein (p.Ser341Pro). This variant is not present in population databases (gnomAD no frequency). This variant has not been reported in the literature in individuals affected with SPATA5-related conditions. Advanced modeling of protein sequence and biophysical properties (such as structural, functional, and spatial information, amino acid conservation, physicochemical variation, residue mobility, and thermodynamic stability) performed at Invitae indicates that this missense variant is not expected to disrupt SPATA5 protein function. In summary, the available evidence is currently insufficient to determine the role of this variant in disease. Therefore, it has been classified as a Variant of Uncertain Significance.

NM_145207.3(AFG2A):c.1021T>C (p.Ser341Pro)

Gene: AFG2A (AAA ATPase AFG2A; plus strand). Cytogenetic location: 4q28.1.
Variant type: single nucleotide variant.
Coding change: c.1021T>C on transcript NM_145207.3 (MANE Select); coding-DNA position 1021, T replaced by C.
Protein change: p.Ser341Pro; replaces serine 341 with proline.
Molecular consequence: missense variant.
Genome position (GRCh38, 1-based): chr4:122,934,612, T>C. VCF-style: chr4-122934612-T-C. GRCh37 (hg19) VCF-style: chr4-123855767-T-C.
Other names: c.1018T>C, p.Ser340Pro (NM_001317799.2, NM_001345856.2); short protein forms S341P, S340P.
Identifiers: ClinVar variation 2066406 (VCV002066406.3), dbSNP rs1728962437, ClinGen allele CA358103018.